The following is an entry in ClinVar:

ClinVar aggregate classification (germline): Conflicting classifications of pathogenicity. Review status: criteria provided, conflicting classifications (1 of 4 stars). 8 submissions from 8 submitters: Uncertain significance (7); Likely benign (1). Last evaluated 2023-08-17.

Conditions:
Inborn genetic diseases. Identifiers: MedGen C0950123, MeSH D030342.
Autoinflammatory syndrome. Identifiers: Orphanet 93665, MedGen C3890737, MONDO:0019751.
Aplastic anemia. Identifiers: Orphanet 182040, Orphanet 88, MedGen C0002874, MONDO:0015909, OMIM 609135, HP:0001915.
Familial hemophagocytic lymphohistiocytosis 2 (FHL2). Also called: PRF1-Related Familial Hemophagocytic Lymphohistiocytosis (PRF1-fHLH). Identifiers: Orphanet 540, MedGen C1863727, MONDO:0011337, OMIM 603553.
Lymphoma, non-Hodgkin, familial. Identifiers: MedGen C4721532, MONDO:0011508, OMIM 605027.

Allele frequency attached by ClinVar (database versions not stated): gnomAD exomes 0.00024 and 0.00035; TOPMed 0.00026; gnomAD 0.00027 and 0.00029; 1000 Genomes Project 0.00040; ExAC 0.00040; 1000 Genomes Project 30x 0.00047; ESP Exome Variant Server 0.00054.
gnomAD v4.1: 390 of 1,613,648 alleles (0.024%); highest among the groups gnomAD compares: South Asian, 0.17%; 4 homozygotes.

Submissions (8):

Mayo Clinic Laboratories, Mayo Clinic
Classification: Uncertain significance. Last evaluated: 2023-08-17. Review status: criteria provided, single submitter. Criteria: ACMG Guidelines, 2015. Collection method: clinical testing. Allele origin: germline. Observed: 1 variant allele.

Labcorp Genetics (formerly Invitae), Labcorp
Classification: Uncertain significance for Familial hemophagocytic lymphohistiocytosis 2. Last evaluated: 2022-10-31. Review status: criteria provided, single submitter. Criteria: Invitae Variant Classification Sherloc (09022015). Collection method: clinical testing. Allele origin: germline.
Comment: This sequence change replaces arginine, which is basic and polar, with glutamine, which is neutral and polar, at codon 357 of the PRF1 protein (p.Arg357Gln). This variant is present in population databases (rs140787739, gnomAD 0.1%). This variant has not been reported in the literature in individuals affected with PRF1-related conditions. ClinVar contains an entry for this variant (Variation ID: 662697). Advanced modeling of protein sequence and biophysical properties (such as structural, functional, and spatial information, amino acid conservation, physicochemical variation, residue mobility, and thermodynamic stability) has been performed at Invitae for this missense variant, however the output from this modeling did not meet the statistical confidence thresholds required to predict the impact of this variant on PRF1 protein function. In summary, the available evidence is currently insufficient to determine the role of this variant in disease. Therefore, it has been classified as a Variant of Uncertain Significance.

Ambry Genetics
Classification: Likely benign for Inborn genetic diseases. Last evaluated: 2022-05-06. Review status: criteria provided, single submitter. Criteria: Ambry Variant Classification Scheme 2023. Collection method: clinical testing. Allele origin: germline.

Fulgent Genetics
Classification: Uncertain significance for Familial hemophagocytic lymphohistiocytosis 2; Lymphoma, non-Hodgkin, familial; Aplastic anemia. Last evaluated: 2022-03-09. Review status: criteria provided, single submitter. Criteria: ACMG Guidelines, 2015. Collection method: clinical testing. Allele origin: unknown.

Genome Diagnostics Laboratory, The Hospital for Sick Children
Classification: Uncertain significance for Autoinflammatory syndrome. Last evaluated: 2021-12-20. Review status: criteria provided, single submitter. Criteria: ACMG Guidelines, 2015. Collection method: clinical testing. Allele origin: germline. Affected: yes.

Revvity Omics, Revvity
Classification: Uncertain significance. Last evaluated: 2019-02-01. Review status: criteria provided, single submitter. Criteria: ACMG Guidelines, 2015. Collection method: clinical testing. Allele origin: germline.

Illumina Laboratory Services, Illumina
Classification: Uncertain significance for Familial hemophagocytic lymphohistiocytosis 2. Last evaluated: 2017-04-27. Review status: criteria provided, single submitter. Criteria: ICSL Variant Classification Criteria 13 December 2019. Collection method: clinical testing. Allele origin: germline.
Comment: This variant was observed as part of a predisposition screen in an ostensibly healthy population. A literature search was performed for the gene, cDNA change, and amino acid change (where applicable). Publications were found based on this search. However, the evidence from the literature, in combination with allele frequency data from public databases where available, was not sufficient to rule this variant in or out of causing disease. Therefore, this variant is classified as a variant of unknown significance.

Breakthrough Genomics
Classification: Uncertain significance. Review status: criteria provided, single submitter. Criteria: ACMG Guidelines, 2015. Collection method: not provided. Allele origin: germline. Inheritance: Autosomal recessive inheritance. Affected: yes.

Literature cited by the submitters: PubMed 26221353 (cited by Illumina Laboratory Services, Illumina).

NM_001083116.3(PRF1):c.1070G>A (p.Arg357Gln)

Gene: PRF1 (perforin 1; minus strand). Cytogenetic location: 10q22.1.
Variant type: single nucleotide variant.
Coding change: c.1070G>A on transcript NM_001083116.3 (MANE Select); coding-DNA position 1070, G replaced by A.
Protein change: p.Arg357Gln; replaces arginine 357 with glutamine.
Molecular consequence: missense variant.
Genome position (GRCh38, 1-based): chr10:70,598,651, C>T on the plus strand (G>A on the coding strand, the complement: PRF1 is on the minus strand). VCF-style: chr10-70598651-C-T. GRCh37 (hg19) VCF-style: chr10-72358407-C-T.
Other names: p.Arg357Gln; c.1070G>A, p.Arg357Gln (NM_005041.6); short protein forms R357Q.
Identifiers: ClinVar variation 662697 (VCV000662697.18), dbSNP rs140787739, ClinGen allele CA5538832.